The following is an entry in ClinVar:

ClinVar aggregate classification (germline): Uncertain significance (1 of 4 stars; one submission).

Conditions:
Baller-Gerold syndrome (BGS). Also called: CRANIOSYNOSTOSIS WITH RADIAL DEFECTS. Identifiers: Orphanet 1225, MedGen C0265308, MONDO:0009039, OMIM 218600.

Allele frequency attached by ClinVar (database versions not stated): TOPMed 0.00001.
gnomAD v4.1: 1 of 1,608,432 alleles (0.000062%); highest among the groups gnomAD compares: African/African-American, 0.0013%; no homozygotes.

Submission:

Labcorp Genetics (formerly Invitae), Labcorp
Classification: Uncertain significance for Baller-Gerold syndrome. Last evaluated: 2024-07-02. Review status: criteria provided, single submitter. Criteria: Invitae Variant Classification Sherloc (09022015). Collection method: clinical testing. Allele origin: germline.
Comment: This sequence change replaces proline, which is neutral and non-polar, with arginine, which is basic and polar, at codon 581 of the RECQL4 protein (p.Pro581Arg). This variant is present in population databases (no rsID available, gnomAD 0.01%). This variant has not been reported in the literature in individuals affected with RECQL4-related conditions. Advanced modeling of protein sequence and biophysical properties (such as structural, functional, and spatial information, amino acid conservation, physicochemical variation, residue mobility, and thermodynamic stability) performed at Invitae indicates that this missense variant is expected to disrupt RECQL4 protein function with a positive predictive value of 80%. In summary, the available evidence is currently insufficient to determine the role of this variant in disease. Therefore, it has been classified as a Variant of Uncertain Significance.

NM_004260.4(RECQL4):c.1742C>G (p.Pro581Arg)

Gene: RECQL4 (RecQ like helicase 4; minus strand). Cytogenetic location: 8q24.3.
Variant type: single nucleotide variant.
Coding change: c.1742C>G on transcript NM_004260.4 (MANE Select); coding-DNA position 1742, C replaced by G.
Protein change: p.Pro581Arg; replaces proline 581 with arginine.
Molecular consequence: missense variant. On other transcripts: non-coding transcript variant (3), intron variant (3).
Genome position (GRCh38, 1-based): chr8:144,514,325, G>C on the plus strand (C>G on the coding strand, the complement: RECQL4 is on the minus strand). VCF-style: chr8-144514325-G-C. GRCh37 (hg19) VCF-style: chr8-145739709-G-C.
Other names: c.605C>G, p.Pro202Arg (NM_001413032.1, NM_001413041.1, NM_001413027.1 and 1 more transcripts); c.671C>G, p.Pro224Arg (NM_001413034.1, NM_001413035.1, NM_001413038.1 and 6 more transcripts); c.1742C>G, p.Pro581Arg (NM_001413036.1, NM_001413018.1, NM_001413019.1); c.1712C>G, p.Pro571Arg (NM_001413039.1); c.641C>G, p.Pro214Arg (NM_001413042.1); c.275C>G, p.Pro92Arg (NM_001413043.1); c.1705-95C>G (NM_001413033.1); c.568-95C>G (NM_001413031.1); and 4 more; short protein forms P538R, P549R, P581R, P92R, P571R, P202R, P214R, P224R.
Identifiers: ClinVar variation 2714472 (VCV002714472.3), dbSNP rs1198368445, ClinGen allele CA372681130.